The following is an entry in ClinVar:

ClinVar aggregate classification (germline): Uncertain significance (1 of 4 stars; one submission).

Allele frequency attached by ClinVar (database versions not stated): gnomAD exomes 0.00002; TOPMed 0.00002.
gnomAD v4.1: 23 of 1,547,590 alleles (0.0015%); highest among the groups gnomAD compares: Non-Finnish European, 0.002%; no homozygotes.

Submission:

Labcorp Genetics (formerly Invitae), Labcorp
Classification: Uncertain significance. Last evaluated: 2021-09-01. Review status: criteria provided, single submitter. Criteria: Invitae Variant Classification Sherloc (09022015). Collection method: clinical testing. Allele origin: germline.
Comment: This sequence change replaces glutamine with histidine at codon 1276 of the OBSL1 protein (p.Gln1276His). The glutamine residue is weakly conserved and there is a small physicochemical difference between glutamine and histidine. The frequency data for this variant in the population databases is considered unreliable, as metrics indicate insufficient coverage at this position in the ExAC database. This variant has not been reported in the literature in individuals affected with OBSL1-related conditions. Algorithms developed to predict the effect of missense changes on protein structure and function (SIFT, PolyPhen-2, Align-GVGD) all suggest that this variant is likely to be tolerated. In summary, the available evidence is currently insufficient to determine the role of this variant in disease. Therefore, it has been classified as a Variant of Uncertain Significance.

NM_015311.3(OBSL1):c.3828G>T (p.Gln1276His)

Gene: OBSL1 (obscurin like cytoskeletal adaptor 1; minus strand). Cytogenetic location: 2q35.
Variant type: single nucleotide variant.
Coding change: c.3828G>T on transcript NM_015311.3 (MANE Select); coding-DNA position 3828, G replaced by T.
Protein change: p.Gln1276His; replaces glutamine 1276 with histidine.
Molecular consequence: missense variant.
Genome position (GRCh38, 1-based): chr2:219,557,581, C>A on the plus strand (G>T on the coding strand, the complement: OBSL1 is on the minus strand). VCF-style: chr2-219557581-C-A. GRCh37 (hg19) VCF-style: chr2-220422303-C-A.
Other names: c.3828G>T, p.Gln1276His (NM_001173431.2); short protein forms Q1276H.
Identifiers: ClinVar variation 1427219 (VCV001427219.5), dbSNP rs1472775954, ClinGen allele CA350733537.
Genomic context (GRCh38, chr2:219,557,581, plus strand): 5'-TGGCCCGGAGAGGTGCACCACCAGCTCTAGGTCCCCGCCTGGGGTGCTCCGAACCCTCGT[C>A]TGGGCTGCCTCGGGAGCTACCACCCGCACAGGGGGCTCTGTGGAGTCAGAGCTGGAGGTC-3'
Protein context (NP_056126.1, residues 1266-1286): PVRVVAPEAA[Gln1276His]TRVRSTPGGD